The following is an entry in ClinVar:

ClinVar aggregate classification (germline): Uncertain significance (1 of 4 stars; one submission).

Conditions:
Deficiency of aromatic-L-amino-acid decarboxylase. Also called: Aromatic amino acid decarboxylase deficiency; Aromatic L-Amino Acid Decarboxylase Deficiency; AADC DEFICIENCY; DDC DEFICIENCY; DOPA DECARBOXYLASE DEFICIENCY. Identifiers: Orphanet 35708, MedGen C1291564, MONDO:0012084, OMIM 608643.

Allele frequency attached by ClinVar (database versions not stated): gnomAD exomes below 0.00001; gnomAD 0.00001; TOPMed 0.00001.
gnomAD v4.1: 2 of 1,613,028 alleles (0.00012%); highest among the groups gnomAD compares: African/African-American, 0.0027%; no homozygotes.

Submission:

Labcorp Genetics (formerly Invitae), Labcorp
Classification: Uncertain significance for Deficiency of aromatic-L-amino-acid decarboxylase. Last evaluated: 2022-02-28. Review status: criteria provided, single submitter. Criteria: Invitae Variant Classification Sherloc (09022015). Collection method: clinical testing. Allele origin: germline.
Comment: This variant is present in population databases (no rsID available, gnomAD 0.007%). This sequence change replaces tryptophan, which is neutral and slightly polar, with serine, which is neutral and polar, at codon 71 of the DDC protein (p.Trp71Ser). This variant has not been reported in the literature in individuals affected with DDC-related conditions. In summary, the available evidence is currently insufficient to determine the role of this variant in disease. Therefore, it has been classified as a Variant of Uncertain Significance. Algorithms developed to predict the effect of missense changes on protein structure and function are either unavailable or do not agree on the potential impact of this missense change (SIFT: "Deleterious"; PolyPhen-2: "Probably Damaging"; Align-GVGD: "Class C0").

NM_001082971.2(DDC):c.212G>C (p.Trp71Ser)

Genes: DDC (dopa decarboxylase; minus strand), DDC-AS1 (DDC antisense RNA 1; plus strand). Cytogenetic location: 7p12.1.
Variant type: single nucleotide variant.
Coding change: c.212G>C on transcript NM_001082971.2 (MANE Select); coding-DNA position 212, G replaced by C.
Protein change: p.Trp71Ser; replaces tryptophan 71 with serine.
Molecular consequence: missense variant. On other transcripts: non-coding transcript variant (1), intron variant (2).
Genome position (GRCh38, 1-based): chr7:50,540,018, C>G on the plus strand (G>C on the coding strand, the complement: DDC is on the minus strand). VCF-style: chr7-50540018-C-G. GRCh37 (hg19) VCF-style: chr7-50607716-C-G.
Other names: c.212G>C, p.Trp71Ser (NM_000790.4, NM_001242887.2, NM_001242889.2 and 1 more transcripts); c.201+3867G>C (NM_001242888.2); c.202-2039G>C (NM_001242886.2); short protein forms W71S.
Identifiers: ClinVar variation 2093865 (VCV002093865.4), dbSNP rs1220708031, ClinGen allele CA367529959.